The following is an entry in ClinVar:

NM_024675.4(PALB2):c.426G>A (p.Lys142=)

Gene: PALB2 (partner and localizer of BRCA2; minus strand). Cytogenetic location: 16p12.2.
Variant type: single nucleotide variant.
Coding change: c.426G>A on transcript NM_024675.4 (MANE Select); coding-DNA position 426, G replaced by A.
Protein change: p.Lys142=; no amino-acid change (lysine 142 retained).
Molecular consequence: synonymous variant.
Genome position (GRCh38, 1-based): chr16:23,636,120, C>T on the plus strand (G>A on the coding strand, the complement: PALB2 is on the minus strand). VCF-style: chr16-23636120-C-T. GRCh37 (hg19) VCF-style: chr16-23647441-C-T.
Identifiers: ClinVar variation 830104 (VCV000830104.15), dbSNP rs1967047677, ClinGen allele CA494462188.
Genomic context (GRCh38, chr16:23,636,120, plus strand): 5'-ACAGTCTCTCTCCTGTGAAATAAATGTCCTCTTCTGCTGCTTCTTTCTTCTGCTTGGCAG[C>T]TTCTGCTTTTGCTCACCACTAGGGTCACTGACCCTGTGGGGAAAATGTTCTTGGGTGTCA-3'
Protein context (NP_078951.2, residues 132-152): VSDPSGEQKQ[Lys142=]LPSRRKKQQK

ClinVar aggregate classification (germline): Benign/Likely benign. Review status: criteria provided, multiple submitters, no conflicts (2 of 4 stars). 5 submissions from 5 submitters: Benign (1); Likely benign (2). 2 of the submissions do not count toward it. Last evaluated 2025-01-10.

Conditions:
Familial cancer of breast. Also called: BREAST CANCER, FAMILIAL; Hereditary breast cancer; hereditary breast carcinoma. Identifiers: Orphanet 227535, MedGen C0346153, MONDO:0016419, OMIM 114480. Disease mechanism: loss of function.
Malignant tumor of breast. Also called: Malignant breast neoplasm; Cancer breast. Identifiers: MedGen C0006142, MONDO:0007254. Disease mechanism: loss of function.
Hereditary cancer-predisposing syndrome. Also called: Hereditary neoplastic syndrome; Neoplastic Syndromes, Hereditary; Tumor predisposition; Hereditary Cancer Syndrome. Identifiers: Orphanet 140162, MedGen C0027672, MeSH D009386, MONDO:0015356.

Allele frequency attached by ClinVar (database versions not stated): gnomAD exomes below 0.00001.
gnomAD v4.1: 1 of 1,613,608 alleles (0.000062%); highest among the groups gnomAD compares: South Asian, 0.0011%; no homozygotes.

Submissions (5):

Myriad Genetics, Inc.
Classification: Benign for Familial cancer of breast. Last evaluated: 2025-01-10. Review status: criteria provided, single submitter. Criteria: Myriad Autosomal Dominant, Autosomal Recessive and X-Linked Classification Criteria (2023). Collection method: clinical testing. Allele origin: unknown.
Comment: This variant is considered benign. This variant is a silent/synonymous amino acid change and it is not expected to impact splicing.

Ambry Genetics
Classification: Likely benign for Hereditary cancer-predisposing syndrome. Last evaluated: 2022-04-05. Review status: criteria provided, single submitter. Criteria: Ambry Variant Classification Scheme 2023. Collection method: clinical testing. Allele origin: germline.

Labcorp Genetics (formerly Invitae), Labcorp
Classification: Likely benign for Familial cancer of breast. Last evaluated: 2019-03-13. Review status: criteria provided, single submitter. Criteria: Invitae Variant Classification Sherloc (09022015). Collection method: clinical testing. Allele origin: germline.

Leiden Open Variation Database
Classification: Uncertain significance. Last evaluated: 2018-08-25. Review status: no assertion criteria provided. Collection method: curation. Allele origin: germline. Affected: yes. Not counted in ClinVar's aggregate classification.
Comment: Curators: Marc Tischkowitz, Arleen D. Auerbach. Submitter to LOVD: Yukihide Momozawa.

Department of Pathology and Laboratory Medicine, Sinai Health System
Classification: Likely benign for Malignant tumor of breast. Review status: no assertion criteria provided. Collection method: clinical testing. Allele origin: unknown. Affected: yes. Study: The Canadian Open Genetics Repository (COGR). Not counted in ClinVar's aggregate classification.
Comment: The PALB2 p.Lys142= variant identified 1 of 24,980 control chromsomes from healthy individuals (Momozawa 2018). The variant was not identified in dbSNP or ClinVar. The variant was identified in LOVD 3.0 (observed 1x). The variant was not identified in the following control databases: the Exome Aggregation Consortium (August 8th 2016), or the Genome Aggregation Database (Feb 27, 2017). The p.Lys142= variant is not expected to have clinical significance because it does not result in a change of amino acid and is not located in a known consensus splice site. The variant occurs outside of the splicing consensus sequence and in silico or computational prediction software programs (SpliceSiteFinder, MaxEntScan, NNSPLICE, GeneSplicer) do not predict a difference in splicing. In summary, based on the above information the clinical significance of this variant cannot be determined with certainty at this time although we would lean towards a more benign role for this variant. This variant is classified as likely benign.

Literature cited by the submitters: PubMed 30287823 (cited by Leiden Open Variation Database).